The following is an entry in ClinVar:

ClinVar aggregate classification (germline): Uncertain significance (1 of 4 stars; one submission).

Submission:

Labcorp Genetics (formerly Invitae), Labcorp
Classification: Uncertain significance. Last evaluated: 2025-03-19. Review status: criteria provided, single submitter. Criteria: Invitae Variant Classification Sherloc (09022015). Collection method: clinical testing. Allele origin: germline.
Comment: This sequence change replaces leucine, which is neutral and non-polar, with proline, which is neutral and non-polar, at codon 484 of the CFI protein (p.Leu484Pro). This variant is not present in population databases (gnomAD no frequency). This variant has not been reported in the literature in individuals affected with CFI-related conditions. Invitae Evidence Modeling of protein sequence and biophysical properties (such as structural, functional, and spatial information, amino acid conservation, physicochemical variation, residue mobility, and thermodynamic stability) indicates that this missense variant is expected to disrupt CFI protein function with a positive predictive value of 80%. In summary, the available evidence is currently insufficient to determine the role of this variant in disease. Therefore, it has been classified as a Variant of Uncertain Significance.

NM_000204.5(CFI):c.1451T>C (p.Leu484Pro)

Gene: CFI (complement factor I; minus strand). Cytogenetic location: 4q25.
Variant type: single nucleotide variant.
Coding change: c.1451T>C on transcript NM_000204.5 (MANE Select); coding-DNA position 1451, T replaced by C.
Protein change: p.Leu484Pro; replaces leucine 484 with proline.
Molecular consequence: missense variant. On other transcripts: non-coding transcript variant (3).
Genome position (GRCh38, 1-based): chr4:109,742,574, A>G on the plus strand (T>C on the coding strand, the complement: CFI is on the minus strand). VCF-style: chr4-109742574-A-G. GRCh37 (hg19) VCF-style: chr4-110663730-A-G.
Other names: c.1475T>C, p.Leu492Pro (NM_001318057.2, NM_001375278.1, NM_001440988.1); c.1430T>C, p.Leu477Pro (NM_001331035.2, NM_001375280.1, NM_001375282.1 and 1 more transcripts); c.1451T>C, p.Leu484Pro (NM_001375279.1, NM_001375281.1, NM_001440989.1); c.1394T>C, p.Leu465Pro (NM_001375283.1); c.842T>C, p.Leu281Pro (NM_001375284.1); c.1472T>C, p.Leu491Pro (NM_001440985.1, NM_001440986.1); short protein forms L465P, L281P, L477P, L492P, L491P, L484P.
Identifiers: ClinVar variation 4769162 (VCV004769162.1).